The following is an entry in ClinVar:

NM_001370466.1(NOD2):c.1886A>T (p.Asp629Val)

Gene: NOD2 (nucleotide binding oligomerization domain containing 2; plus strand). Cytogenetic location: 16q12.1.
Variant type: single nucleotide variant.
Coding change: c.1886A>T on transcript NM_001370466.1 (MANE Select); coding-DNA position 1886, A replaced by T.
Protein change: p.Asp629Val; replaces aspartic acid 629 with valine.
Molecular consequence: missense variant. On other transcripts: non-coding transcript variant (1).
Genome position (GRCh38, 1-based): chr16:50,711,878, A>T. VCF-style: chr16-50711878-A-T. GRCh37 (hg19) VCF-style: chr16-50745789-A-T.
Other names: c.1886A>T, p.Asp629Val (NM_001293557.2); c.1967A>T, p.Asp656Val (NM_022162.3); short protein forms D629V, D656V.
Identifiers: ClinVar variation 1360687 (VCV001360687.8), dbSNP rs2150812781, ClinGen allele CA395870352.
Genomic context (GRCh38, chr16:50,711,878, plus strand): 5'-GCAACTCACCAATGGCCAGGCTCCTGCCCACGATGTGCATCCAGGCCTCGGAGGGAAAGG[A>T]CAGCAGCGTGGCAGCTTTGCTGCAGAAGGCCGAGCCGCACAACCTTCAGATCACAGCAGC-3'
Protein context (NP_001357395.1, residues 619-639): TMCIQASEGK[Asp629Val]SSVAALLQKA

ClinVar aggregate classification (germline): Uncertain significance (1 of 4 stars; one submission).

Conditions:
Blau syndrome (BLAUS). Also called: GRANULOMATOSIS, FAMILIAL JUVENILE SYSTEMIC; GRANULOMATOSIS, FAMILIAL, BLAU TYPE; GRANULOMATOUS INFLAMMATORY ARTHRITIS, DERMATITIS, AND UVEITIS, FAMILIAL; JABS SYNDROME; ARTHROCUTANEOUVEAL GRANULOMATOSIS. Identifiers: Orphanet 90340, MedGen C5201146, MONDO:0008523, OMIM 186580.
Regional enteritis. Also called: Enteritis, Granulomatous. Identifiers: MedGen C0678202, MeSH D003424.

Submission:

Labcorp Genetics (formerly Invitae), Labcorp
Classification: Uncertain significance for Regional enteritis; Blau syndrome. Last evaluated: 2022-09-27. Review status: criteria provided, single submitter. Criteria: Invitae Variant Classification Sherloc (09022015). Collection method: clinical testing. Allele origin: germline.
Comment: In summary, the available evidence is currently insufficient to determine the role of this variant in disease. Therefore, it has been classified as a Variant of Uncertain Significance. Algorithms developed to predict the effect of sequence changes on RNA splicing suggest that this variant may create or strengthen a splice site. Advanced modeling of protein sequence and biophysical properties (such as structural, functional, and spatial information, amino acid conservation, physicochemical variation, residue mobility, and thermodynamic stability) performed at Invitae indicates that this missense variant is not expected to disrupt NOD2 protein function. ClinVar contains an entry for this variant (Variation ID: 1360687). This variant has not been reported in the literature in individuals affected with NOD2-related conditions. This variant is not present in population databases (gnomAD no frequency). This sequence change replaces aspartic acid, which is acidic and polar, with valine, which is neutral and non-polar, at codon 656 of the NOD2 protein (p.Asp656Val).